The following is an entry in ClinVar:

NM_004086.3(COCH):c.266C>A (p.Pro89His)

Genes: COCH (cochlin; plus strand), COCH-AS1 (COCH antisense RNA 1; minus strand). Cytogenetic location: 14q12.
Variant type: single nucleotide variant.
Coding change: c.266C>A on transcript NM_004086.3 (MANE Select); coding-DNA position 266, C replaced by A.
Protein change: p.Pro89His; replaces proline 89 with histidine.
Molecular consequence: missense variant.
Genome position (GRCh38, 1-based): chr14:30,878,837, C>A. VCF-style: chr14-30878837-C-A. GRCh37 (hg19) VCF-style: chr14-31348043-C-A.
Other names: c.266C>A, p.Pro89His (NM_001135058.2); c.461C>A, p.Pro154His (NM_001347720.2); short protein forms P154H, P89H.
Identifiers: ClinVar variation 882738 (VCV000882738.4), dbSNP rs149903169, ClinGen allele CA7142986.

ClinVar aggregate classification (germline): Uncertain significance (1 of 4 stars; one submission).

Conditions:
Autosomal dominant nonsyndromic hearing loss 9. Identifiers: Orphanet 90635, MedGen C1832425, MONDO:0011058, OMIM 601369.

Allele frequency attached by ClinVar (database versions not stated): ExAC 0.00003; TOPMed 0.00003; ESP Exome Variant Server 0.00008; gnomAD 0.00009.
gnomAD v4.1: 63 of 1,614,022 alleles (0.0039%); highest among the groups gnomAD compares: Non-Finnish European, 0.0049%; no homozygotes.

Submission:

Illumina Laboratory Services, Illumina
Classification: Uncertain significance for Autosomal dominant nonsyndromic hearing loss 9. Last evaluated: 2017-04-28. Review status: criteria provided, single submitter. Criteria: ICSL Variant Classification Criteria 13 December 2019. Collection method: clinical testing. Allele origin: germline.
Comment: This variant was observed as part of a predisposition screen in an ostensibly healthy population. A literature search was performed for the gene, cDNA change, and amino acid change (where applicable). Publications were found based on this search. However, the evidence from the literature, in combination with allele frequency data from public databases where available, was not sufficient to rule this variant in or out of causing disease. Therefore, this variant is classified as a variant of unknown significance.

Literature cited by the submitters: PubMed 22534022; PubMed 25230692.